The following is an entry in ClinVar:

ClinVar aggregate classification (germline): Uncertain significance (1 of 4 stars; one submission).

Conditions:
ADAMTS18-related disorder. Also called: ADAMTS18-related condition.

gnomAD v4.1: 8 of 1,614,014 alleles (0.0005%); highest among the groups gnomAD compares: East Asian, 0.0067%; no homozygotes.

Submission:

PreventionGenetics, part of Exact Sciences
Classification: Uncertain significance for ADAMTS18-related condition. Last evaluated: 2025-07-31. Review status: criteria provided, single submitter. Criteria: ACMG Guidelines, 2015. Collection method: clinical testing. Allele origin: germline.
Comment: The ADAMTS18 c.2993G>C variant is predicted to result in the amino acid substitution p.Gly998Ala. To our knowledge, this variant has not been reported in the literature. This variant is absent in a large population database (gnomAD), indicating this variant is rare. At this time, the clinical significance of this variant is uncertain due to the absence of conclusive functional and genetic evidence.

NM_199355.4(ADAMTS18):c.2993G>C (p.Gly998Ala)

Gene: ADAMTS18 (ADAM metallopeptidase with thrombospondin type 1 motif 18; minus strand). Cytogenetic location: 16q23.1.
Variant type: single nucleotide variant.
Coding change: c.2993G>C on transcript NM_199355.4 (MANE Select); coding-DNA position 2993, G replaced by C.
Protein change: p.Gly998Ala; replaces glycine 998 with alanine.
Molecular consequence: missense variant.
Genome position (GRCh38, 1-based): chr16:77,294,936, C>G on the plus strand (G>C on the coding strand, the complement: ADAMTS18 is on the minus strand). VCF-style: chr16-77294936-C-G. GRCh37 (hg19) VCF-style: chr16-77328833-C-G.
Other names: c.2477G>C, p.Gly826Ala (NM_001326358.2); short protein forms G998A, G826A.
Identifiers: ClinVar variation 4980139 (VCV004980139.1).